The following is an entry in ClinVar:

NM_015192.4(PLCB1):c.2008G>A (p.Val670Ile)

Gene: PLCB1 (phospholipase C beta 1; plus strand). Cytogenetic location: 20p12.3.
Variant type: single nucleotide variant.
Coding change: c.2008G>A on transcript NM_015192.4 (MANE Select); coding-DNA position 2008, G replaced by A.
Protein change: p.Val670Ile; replaces valine 670 with isoleucine.
Molecular consequence: missense variant.
Genome position (GRCh38, 1-based): chr20:8,733,357, G>A. VCF-style: chr20-8733357-G-A. GRCh37 (hg19) VCF-style: chr20-8714004-G-A.
Other names: c.2008G>A, p.Val670Ile (NM_182734.3); short protein forms V670I.
Identifiers: ClinVar variation 567711 (VCV000567711.10), dbSNP rs772981786, ClinGen allele CA9760123.
Genomic context (GRCh38, chr20:8,733,357, plus strand): 5'-TTGAAGCCAGAGTTCATGAGGAGGCCTGACAAGCATTTTGATCCATTTACTGAAGGCATC[G>A]TAGATGGGATAGTGGCAAACACTTTGTCTGTTAAGGTAGGTATACCCCATCACAAAATTG-3'
Protein context (NP_056007.1, residues 660-680): KHFDPFTEGI[Val670Ile]DGIVANTLSV

ClinVar aggregate classification (germline): Uncertain significance (1 of 4 stars; one submission).

Conditions:
Developmental and epileptic encephalopathy, 12 (DEE12). Identifiers: MedGen C3150988, MONDO:0013389, OMIM 613722.

Allele frequency attached by ClinVar (database versions not stated): gnomAD exomes 0.00001; ExAC 0.00002.
gnomAD v4.1: 12 of 1,613,996 alleles (0.00074%); highest among the groups gnomAD compares: South Asian, 0.0011%; no homozygotes.

Submission:

Labcorp Genetics (formerly Invitae), Labcorp
Classification: Uncertain significance for Developmental and epileptic encephalopathy, 12. Last evaluated: 2026-02-02. Review status: criteria provided, single submitter. Criteria: Invitae Variant Classification Sherloc (09022015). Collection method: clinical testing. Allele origin: germline.
Comment: This sequence change replaces valine, which is neutral and non-polar, with isoleucine, which is neutral and non-polar, at codon 670 of the PLCB1 protein (p.Val670Ile). This variant is present in population databases (rs772981786, gnomAD 0.003%). This variant has not been reported in the literature in individuals affected with PLCB1-related conditions. ClinVar contains an entry for this variant (Variation ID: 567711). Invitae Evidence Modeling of protein sequence and biophysical properties (such as structural, functional, and spatial information, amino acid conservation, physicochemical variation, residue mobility, and thermodynamic stability) indicates that this missense variant is not expected to disrupt PLCB1 protein function with a negative predictive value of 80%. In summary, the available evidence is currently insufficient to determine the role of this variant in disease. Therefore, it has been classified as a Variant of Uncertain Significance.